The following is an entry in ClinVar:

ClinVar aggregate classification (germline): Pathogenic (1 of 4 stars; one submission).

Submission:

Quest Diagnostics Nichols Institute San Juan Capistrano
Classification: Pathogenic. Last evaluated: 2024-10-28. Review status: criteria provided, single submitter. Criteria: ACMG/ClinGen CNV Guidelines, 2019. Collection method: clinical testing. Allele origin: unknown.
Comment: This copy number gain involves several protein-coding genes including TBX6 (OMIM 602427) and is associated with the proximal (BP4-BP5) 16p11.2 microduplication syndrome (OMIM 614671). Typical features include neurodevelopmental and neuropsychiatric disorders. Microcephaly and low body weight are additional common features (Redaelli 2019). Inheritance from an unaffected or mildly affected parent has been reported, suggesting incomplete penetrance and variable expressivity. References: Redaelli et al., Int J Mol Sci. 2019 Mar 4;20(5). Pii: E1095. PMID: 30836598

GRCh37/hg19 16p11.2(chr16:29580020-30191848)x3

Genes: ALDOA (aldolase, fructose-bisphosphate A; plus strand), ASPHD1 (aspartate beta-hydroxylase domain containing 1; plus strand), C16orf54 (chromosome 16 open reading frame 54; minus strand), C16orf92 (chromosome 16 open reading frame 92; plus strand), CDIPT (CDP-diacylglycerol--inositol 3-phosphatidyltransferase; minus strand) and 21 more. Cytogenetic location: 16p11.2.
Variant type: copy number gain.
Change: copy number 3 (three copies instead of two) of chr16:29,580,020-30,191,848 (611.8 kb, GRCh37 coordinates, 1-based), cytogenetic band 16p11.2.
Identifiers: ClinVar variation 564325 (VCV000564325.5).